The following is an entry in ClinVar:

NM_000642.3(AGL):c.2936G>A (p.Gly979Glu)

Gene: AGL (amylo-alpha-1,6-glucosidase and 4-alpha-glucanotransferase; plus strand). Cytogenetic location: 1p21.2.
Variant type: single nucleotide variant.
Coding change: c.2936G>A on transcript NM_000642.3 (MANE Select); coding-DNA position 2936, G replaced by A.
Protein change: p.Gly979Glu; replaces glycine 979 with glutamic acid.
Molecular consequence: missense variant.
Genome position (GRCh38, 1-based): chr1:99,891,343, G>A. VCF-style: chr1-99891343-G-A. GRCh37 (hg19) VCF-style: chr1-100356899-G-A.
Other names: c.2936G>A, p.Gly979Glu (NM_000028.3, NM_000643.3, NM_000644.3 and 1 more transcripts); c.2888G>A, p.Gly963Glu (NM_000646.3); c.2915G>A, p.Gly972Glu (NM_001425326.1); c.2735G>A, p.Gly912Glu (NM_001425327.1); c.2732G>A, p.Gly911Glu (NM_001425328.1); c.2597G>A, p.Gly866Glu (NM_001425329.1); c.2558G>A, p.Gly853Glu (NM_001425332.1); short protein forms G979E, G963E, G853E, G866E, G911E, G912E, G972E.
Identifiers: ClinVar variation 1424669 (VCV001424669.6), dbSNP rs1170310851, ClinGen allele CA341325374.

ClinVar aggregate classification (germline): Uncertain significance (1 of 4 stars; one submission).

Conditions:
Glycogen storage disease type III (GSD3). Also called: FORBES DISEASE; Cori disease. Identifiers: Orphanet 366, MedGen C0017922, MONDO:0009291, OMIM 232400.

Allele frequency attached by ClinVar (database versions not stated): gnomAD exomes below 0.00001; TOPMed 0.00001.
gnomAD v4.1: 1 of 1,613,538 alleles (0.000062%); highest among the groups gnomAD compares: African/African-American, 0.0013%; no homozygotes.

Submission:

Labcorp Genetics (formerly Invitae), Labcorp
Classification: Uncertain significance for Glycogen storage disease type III. Last evaluated: 2025-02-23. Review status: criteria provided, single submitter. Criteria: Invitae Variant Classification Sherloc (09022015). Collection method: clinical testing. Allele origin: germline.
Comment: This sequence change replaces glycine, which is neutral and non-polar, with glutamic acid, which is acidic and polar, at codon 979 of the AGL protein (p.Gly979Glu). This variant is not present in population databases (gnomAD no frequency). This variant has not been reported in the literature in individuals affected with AGL-related conditions. ClinVar contains an entry for this variant (Variation ID: 1424669). Invitae Evidence Modeling of protein sequence and biophysical properties (such as structural, functional, and spatial information, amino acid conservation, physicochemical variation, residue mobility, and thermodynamic stability) indicates that this missense variant is not expected to disrupt AGL protein function with a negative predictive value of 80%. In summary, the available evidence is currently insufficient to determine the role of this variant in disease. Therefore, it has been classified as a Variant of Uncertain Significance.